The following is an entry in ClinVar:

ClinVar aggregate classification (germline): Uncertain significance. Review status: criteria provided, multiple submitters, no conflicts (2 of 4 stars). 3 submissions from 3 submitters: Uncertain significance (3). Last evaluated 2024-08-01.

Conditions:
Catecholaminergic polymorphic ventricular tachycardia 1. Also called: RYR2-Related Catecholaminergic Polymorphic Ventricular Tachycardia; VENTRICULAR TACHYCARDIA, CATECHOLAMINERGIC POLYMORPHIC, 1, WITH OR WITHOUT ATRIAL DYSFUNCTION AND/OR DILATED CARDIOMYOPATHY; VENTRICULAR TACHYCARDIA, STRESS-INDUCED POLYMORPHIC 1. Identifiers: Orphanet 3286, MedGen C1631597, MONDO:0011484, OMIM 604772.

Allele frequency attached by ClinVar (database versions not stated): gnomAD exomes below 0.00001; gnomAD 0.00001; TOPMed 0.00001.
gnomAD v4.1: 3 of 1,612,634 alleles (0.00019%); highest among the groups gnomAD compares: Non-Finnish European, 0.00025%; no homozygotes.

Submissions (3):

GeneDx
Classification: Uncertain significance. Last evaluated: 2024-08-01. Review status: criteria provided, single submitter. Criteria: GeneDx Variant Classification Process June 2021. Collection method: clinical testing. Allele origin: germline. Affected: yes.
Comment: Has not been previously published as pathogenic or benign to our knowledge; Not observed at significant frequency in large population cohorts (gnomAD); Not located in one of the three hot-spot regions of the RYR2 gene, where the majority of pathogenic missense variants occur (PMID: 19926015); In silico analysis supports that this missense variant has a deleterious effect on protein structure/function; This variant is associated with the following publications: (PMID: 19926015)

Labcorp Genetics (formerly Invitae), Labcorp
Classification: Uncertain significance for Catecholaminergic polymorphic ventricular tachycardia 1. Last evaluated: 2021-02-02. Review status: criteria provided, single submitter. Criteria: Invitae Variant Classification Sherloc (09022015). Collection method: clinical testing. Allele origin: germline.
Comment: In summary, the available evidence is currently insufficient to determine the role of this variant in disease. Therefore, it has been classified as a Variant of Uncertain Significance. Advanced modeling of protein sequence and biophysical properties (such as structural, functional, and spatial information, amino acid conservation, physicochemical variation, residue mobility, and thermodynamic stability) performed at Invitae indicates that this missense variant is expected to disrupt RYR2 protein function. This variant has not been reported in the literature in individuals with RYR2-related conditions. This variant is not present in population databases (ExAC no frequency). This sequence change replaces tyrosine with cysteine at codon 2923 of the RYR2 protein (p.Tyr2923Cys). The tyrosine residue is highly conserved and there is a large physicochemical difference between tyrosine and cysteine.

Breakthrough Genomics
Classification: Uncertain significance. Review status: criteria provided, single submitter. Criteria: ACMG Guidelines, 2015. Collection method: not provided. Allele origin: germline. Inheritance: Autosomal dominant inheritance. Affected: yes.

NM_001035.3(RYR2):c.8768A>G (p.Tyr2923Cys)

Gene: RYR2 (ryanodine receptor 2; plus strand). Cytogenetic location: 1q43.
Variant type: single nucleotide variant.
Coding change: c.8768A>G on transcript NM_001035.3 (MANE Select); coding-DNA position 8768, A replaced by G.
Protein change: p.Tyr2923Cys; replaces tyrosine 2923 with cysteine.
Molecular consequence: missense variant.
Genome position (GRCh38, 1-based): chr1:237,674,784, A>G. VCF-style: chr1-237674784-A-G. GRCh37 (hg19) VCF-style: chr1-237838084-A-G.
Other names: c.8768A>G (NM_001035.2); short protein forms Y2923C.
Identifiers: ClinVar variation 1385570 (VCV001385570.9), dbSNP rs926338576, ClinGen allele CA39819843.